The following is an entry in ClinVar:

ClinVar aggregate classification (germline): Uncertain significance (1 of 4 stars; one submission).

Conditions:
Epileptic encephalopathy. Identifiers: MedGen C0543888, HP:0200134.

Submission:

Labcorp Genetics (formerly Invitae), Labcorp
Classification: Uncertain significance for Epileptic encephalopathy. Last evaluated: 2023-12-07. Review status: criteria provided, single submitter. Criteria: Invitae Variant Classification Sherloc (09022015). Collection method: clinical testing. Allele origin: germline.
Comment: This sequence change replaces glycine, which is neutral and non-polar, with aspartic acid, which is acidic and polar, at codon 3591 of the RYR3 protein (p.Gly3591Asp). This variant is not present in population databases (gnomAD no frequency). This variant has not been reported in the literature in individuals affected with RYR3-related conditions. ClinVar contains an entry for this variant (Variation ID: 567613). An algorithm developed to predict the effect of missense changes on protein structure and function (PolyPhen-2) suggests that this variant is likely to be tolerated. In summary, the available evidence is currently insufficient to determine the role of this variant in disease. Therefore, it has been classified as a Variant of Uncertain Significance.

NM_001036.6(RYR3):c.10772G>A (p.Gly3591Asp)

Gene: RYR3 (ryanodine receptor 3; plus strand). Cytogenetic location: 15q14.
Variant type: single nucleotide variant.
Coding change: c.10772G>A on transcript NM_001036.6 (MANE Select); coding-DNA position 10772, G replaced by A.
Protein change: p.Gly3591Asp; replaces glycine 3591 with aspartic acid.
Molecular consequence: missense variant.
Genome position (GRCh38, 1-based): chr15:33,820,769, G>A. VCF-style: chr15-33820769-G-A. GRCh37 (hg19) VCF-style: chr15-34112970-G-A.
Other names: c.10757G>A, p.Gly3586Asp (NM_001243996.4); short protein forms G3591D, G3586D.
Identifiers: ClinVar variation 567613 (VCV000567613.8), dbSNP rs1567240933, ClinGen allele CA391586540.
Genomic context (GRCh38, chr15:33,820,769, plus strand): 5'-TTAATTTGATTGTCTGTCTTCTCCCTTCCCTGCTCCATGAAATCCAGAGTTGTCAAAGTG[G>A]TGAGGATGAAGAAGAAGATGAAGACAAGGAAAAAACATTCGAAGTAAGTTCTCATGAAGA-3'
Protein context (NP_001027.3, residues 3581-3601): SSMMAKSCQS[Gly3591Asp]EDEEEDEDKE